The following is an entry in ClinVar:

ClinVar aggregate classification (germline): Conflicting classifications of pathogenicity. Review status: criteria provided, conflicting classifications (1 of 4 stars). 8 submissions from 8 submitters: Uncertain significance (6); Likely benign (2). Last evaluated 2026-07-11.

Conditions:
TTN-related disorder. Also called: TTN-related condition; TTN-related disease; TTN-related disorders.
Cardiovascular phenotype. Identifiers: MedGen CN230736.
Autosomal recessive limb-girdle muscular dystrophy type 2J (LGMDR10). Also called: Limb-girdle muscular dystrophy, type 2J; MUSCULAR DYSTROPHY, LIMB-GIRDLE, AUTOSOMAL RECESSIVE 10. Identifiers: Orphanet 140922, MedGen C1837342, MONDO:0012127, OMIM 608807.
Dilated cardiomyopathy 1G (CMD1G). Identifiers: Orphanet 154, MedGen C1858763, MONDO:0011400, OMIM 604145.
Hypertrophic cardiomyopathy 9. Also called: Familial hypertrophic cardiomyopathy 9. Identifiers: MedGen C1861065, MONDO:0013412, OMIM 613765.

Allele frequency attached by ClinVar (database versions not stated): gnomAD 0.00005 and 0.00004; ExAC 0.00001; gnomAD exomes 0.00001; TOPMed 0.00002.
gnomAD v4.1: 22 of 1,613,340 alleles (0.0014%); highest among the groups gnomAD compares: Admixed American, 0.01%; no homozygotes.

Submissions (8):

PreventionGenetics, part of Exact Sciences
Classification: Uncertain significance for TTN-related condition. Last evaluated: 2026-07-11. Review status: criteria provided, single submitter. Criteria: ACMG Guidelines, 2015. Collection method: clinical testing. Allele origin: germline.
Comment: The TTN c.43019T>C variant is predicted to result in the amino acid substitution p.Ile14340Thr. This variant was reported in an individual with dilated cardiomyopathy (described as p.Ile11772Thr in Table S1, Pugh et al. 2014. PubMed ID: 24503780). This variant is reported in 0.0065% of alleles in individuals of African descent in gnomAD. At this time, the clinical significance of this variant is uncertain due to the absence of conclusive functional and genetic evidence.

Blueprint Genetics
Classification: Likely benign. Last evaluated: 2024-11-21. Review status: criteria provided, single submitter. Criteria: ACMG Guidelines, 2015. Collection method: clinical testing. Allele origin: germline.

Clinical Genomics Laboratory, Washington University in St. Louis
Classification: Uncertain significance for Hypertrophic cardiomyopathy 9. Last evaluated: 2024-10-17. Review status: criteria provided, single submitter. Criteria: ACMG Guidelines, 2015. Collection method: clinical testing. Allele origin: germline.
Comment: The TTN c.43019T>C (p.Ile14340Thr) variant, to our knowledge, has not been reported in the medical literature. The highest population minor allele frequency in the population database genome aggregation database (v.2.1.1) is 0.02% in the other populations. This variant was reported in the ClinVar database as a variant of uncertain significance by four submitters and likely benign by one submitter (ClinVar ID: 46964). Computational predictors are uncertain as to the impact of this variant on TTN function. Due to limited information and based on ACMG/AMP guidelines for variant interpretation (Richards S et al., PMID: 25741868), the clinical significance of this variant is uncertain at this time.

Ambry Genetics
Classification: Likely benign for Cardiovascular phenotype. Last evaluated: 2020-06-25. Review status: criteria provided, single submitter. Criteria: Ambry Variant Classification Scheme 2023. Collection method: clinical testing. Allele origin: germline.

GeneDx
Classification: Uncertain significance. Last evaluated: 2019-11-14. Review status: criteria provided, single submitter. Criteria: GeneDx Variant Classification Process June 2021. Collection method: clinical testing. Allele origin: germline. Affected: yes.
Comment: Not observed at a significant frequency in large population cohorts (Lek et al., 2016); Missense variant in a gene in which most reported pathogenic variants are truncating/loss-of-function; Has not been previously published as pathogenic or benign to our knowledge

Revvity Omics, Revvity
Classification: Uncertain significance. Last evaluated: 2019-06-14. Review status: criteria provided, single submitter. Criteria: ACMG Guidelines, 2015. Collection method: clinical testing. Allele origin: germline.

Labcorp Genetics (formerly Invitae), Labcorp
Classification: Uncertain significance for Dilated cardiomyopathy 1G; Autosomal recessive limb-girdle muscular dystrophy type 2J. Last evaluated: 2016-11-18. Review status: criteria provided, single submitter. Criteria: Invitae Variant Classification Sherloc (09022015). Collection method: clinical testing. Allele origin: germline.

Laboratory for Molecular Medicine, Mass General Brigham Personalized Medicine
Classification: Uncertain significance. Last evaluated: 2015-07-06. Review status: criteria provided, single submitter. Criteria: LMM Criteria. Collection method: clinical testing. Allele origin: germline. Observed: 2 variant alleles.
Comment: It has also been identified in 1/896 chromosomes of unspecified ancestry by th e Exome Aggregation Consortium (ExAC; dbSNP rs39 7517571). Computational prediction tools and conservation analysis do not provid e strong support for or against an impact to the protein. In summary, the clinic al significance of the p.Ile11772Thr variant is uncertain.

NM_001267550.2(TTN):c.43019T>C (p.Ile14340Thr)

Gene: TTN (titin; minus strand). Cytogenetic location: 2q31.2.
Variant type: single nucleotide variant.
Coding change: c.43019T>C on transcript NM_001267550.2 (MANE Select); coding-DNA position 43019, T replaced by C.
Protein change: p.Ile14340Thr; replaces isoleucine 14340 with threonine.
Molecular consequence: missense variant.
Genome position (GRCh38, 1-based): chr2:178,633,254, A>G on the plus strand (T>C on the coding strand, the complement: TTN is on the minus strand). VCF-style: chr2-178633254-A-G. GRCh37 (hg19) VCF-style: chr2-179497981-A-G.
Other names: c.35315T>C, p.Ile11772Thr (NM_133378.4); c.38096T>C, p.Ile12699Thr (NM_001256850.1); c.15824T>C, p.Ile5275Thr (NM_003319.4); c.16199T>C, p.Ile5400Thr (NM_133432.3); c.16400T>C, p.Ile5467Thr (NM_133437.4); short protein forms I14340T, I11772T, I12699T, I5275T, I5400T, I5467T.
Identifiers: ClinVar variation 46964 (VCV000046964.18), dbSNP rs397517571, ClinGen allele CA139649.